The following is an entry in ClinVar:

ClinVar aggregate classification (germline): Uncertain significance (1 of 4 stars; one submission).

Conditions:
Hereditary cancer-predisposing syndrome. Also called: Neoplastic Syndromes, Hereditary; Tumor predisposition; Hereditary Cancer Syndrome; Hereditary neoplastic syndrome. Identifiers: Orphanet 140162, MedGen C0027672, MeSH D009386, MONDO:0015356.

Submission:

Ambry Genetics
Classification: Uncertain significance for Hereditary cancer-predisposing syndrome. Last evaluated: 2026-02-03. Review status: criteria provided, single submitter. Criteria: Ambry Variant Classification Scheme 2023. Collection method: clinical testing. Allele origin: germline.
Comment: The p.I229S variant (also known as c.686T>G), located in coding exon 5 of the PTCH1 gene, results from a T to G substitution at nucleotide position 686. The isoleucine at codon 229 is replaced by serine, an amino acid with dissimilar properties. This amino acid position is highly conserved in available vertebrate species. In addition, this alteration is predicted to be deleterious by in silico analysis. Based on the available evidence, the clinical significance of this variant remains unclear.

NM_000264.5(PTCH1):c.686T>G (p.Ile229Ser)

Gene: PTCH1 (patched 1; minus strand). Cytogenetic location: 9q22.32.
Variant type: single nucleotide variant.
Coding change: c.686T>G on transcript NM_000264.5 (MANE Select); coding-DNA position 686, T replaced by G.
Protein change: p.Ile229Ser; replaces isoleucine 229 with serine.
Molecular consequence: missense variant. On other transcripts: non-coding transcript variant (1).
Genome position (GRCh38, 1-based): chr9:95,482,009, A>C on the plus strand (T>G on the coding strand, the complement: PTCH1 is on the minus strand). VCF-style: chr9-95482009-A-C. GRCh37 (hg19) VCF-style: chr9-98244291-A-C.
Other names: c.488T>G, p.Ile163Ser (NM_001083602.3, NM_001354919.2); c.683T>G, p.Ile228Ser (NM_001083603.3); c.233T>G, p.Ile78Ser (NM_001083604.3, NM_001083605.3, NM_001083606.3 and 1 more transcripts); c.686T>G, p.Ile229Ser (NM_001354918.2); short protein forms I228S, I229S, I163S, I78S.
Identifiers: ClinVar variation 4845075 (VCV004845075.1).
Genomic context (GRCh38, chr9:95,482,009, plus strand): 5'-AGGAGGTATGCTGTCCCAGACTGTAATTTCGCCCCTTCCCAGAAGCAGTCCAAAGGTGTA[A>C]TAATCAAACAAGGGTAAAGATATTCTATTATCTGTCAAAGTTAAAAAGAAGAGGCCATGC-3'
Protein context (NP_000255.2, residues 219-239): IIEYLYPCLI[Ile229Ser]TPLDCFWEGA